The following is an entry in ClinVar:

NM_001393997.1(CCAR2):c.1911C>T (p.Gly637=)

Gene: CCAR2 (cell cycle and apoptosis regulator 2; plus strand). Cytogenetic location: 8p21.3.
Variant type: single nucleotide variant.
Coding change: c.1911C>T on transcript NM_001393997.1 (MANE Select); coding-DNA position 1911, C replaced by T.
Protein change: p.Gly637=; no amino-acid change (glycine 637 retained).
Molecular consequence: synonymous variant.
Genome position (GRCh38, 1-based): chr8:22,617,485, C>T. VCF-style: chr8-22617485-C-T. GRCh37 (hg19) VCF-style: chr8-22474998-C-T.
Other names: c.1911C>T, p.Gly637= (NM_001363068.2, NM_001363069.2, NM_021174.6).
Identifiers: ClinVar variation 3035618 (VCV003035618.2), dbSNP rs145612413, ClinGen allele CA4670959.
Genomic context (GRCh38, chr8:22,617,485, plus strand): 5'-GGATGGGCTTTTGCCCAAACCACTCTCTTCTGGGGGAGAGGAAGAAGAAAAACCCCGGGG[C>T]GAGGCTTCTGAGGACCTGTGTGAGATGGCCCTGGACCCAGAACTGTTGCTTCTGAGGGAT-3'
Protein context (NP_001380926.1, residues 627-647): SGGEEEEKPR[Gly637=]EASEDLCEMA

ClinVar aggregate classification (germline): Benign (0 of 4 stars; one submission).

Conditions:
CCAR2-related disorder. Also called: CCAR2-related condition.

Allele frequency attached by ClinVar (database versions not stated): ExAC 0.00132; 1000 Genomes Project 30x 0.00297; 1000 Genomes Project 0.00339.
gnomAD v4.1: 721 of 1,604,926 alleles (0.045%); highest among the groups gnomAD compares: East Asian, 1.3%; 4 homozygotes.

Submission:

PreventionGenetics, part of Exact Sciences
Classification: Benign for CCAR2-related condition. Last evaluated: 2020-01-16. Review status: no assertion criteria provided. Collection method: clinical testing. Allele origin: germline.
Comment: This variant is classified as benign based on ACMG/AMP sequence variant interpretation guidelines (Richards et al. 2015 PMID: 25741868, with internal and published modifications).